The following is an entry in ClinVar:

NM_000132.4(F8):c.1301G>T (p.Gly434Val)

Gene: F8 (coagulation factor VIII; minus strand). Cytogenetic location: Xq28.
Variant type: single nucleotide variant.
Coding change: c.1301G>T on transcript NM_000132.4 (MANE Select); coding-DNA position 1301, G replaced by T.
Protein change: p.Gly434Val; replaces glycine 434 with valine.
Molecular consequence: missense variant.
Genome position (GRCh38, 1-based): chrX:154,966,112, C>A on the plus strand (G>T on the coding strand, the complement: F8 is on the minus strand). VCF-style: chrX-154966112-C-A. GRCh37 (hg19) VCF-style: chrX-154194387-C-A.
Other names: short protein forms G434V.
Identifiers: ClinVar variation 618111 (VCV000618111.9), dbSNP rs1569559866, ClinGen allele CA414915226.

ClinVar aggregate classification (germline): Uncertain significance (1 of 4 stars; one submission).

Submission:

ARUP Laboratories, Molecular Genetics and Genomics, ARUP Laboratories
Classification: Uncertain significance. Last evaluated: 2025-06-09. Review status: criteria provided, single submitter. Criteria: ARUP Molecular Germline Variant Investigation Process 2024. Collection method: clinical testing. Allele origin: germline.
Comment: The F8 c.1301G>T; p.Gly434Val variant (rs1569559866), to our knowledge, is not reported in the medical literature but is reported in ClinVar (Variation ID: 618111). This variant is absent from the Genome Aggregation Database (v2.1.1), indicating it is not a common polymorphism. Additionally, another variant at this codon (c.1301G>A; p.Gly434Asp) has been reported in an individual with severe hemophilia A (Abu-Amero 2008). Computational analyses are uncertain whether this variant is neutral or deleterious (REVEL: 0.458). Due to limited information, the clinical significance of this variant is uncertain at this time. References: Abu-Amero KK et al. Spectrum of factor VIII mutations in Arab patients with severe haemophilia A. Haemophilia. 2008 May;14(3):484-8. PMID: 18371166.